The following is an entry in ClinVar:

ClinVar aggregate classification (germline): Uncertain significance (1 of 4 stars; one submission).

Conditions:
Cardiovascular phenotype. Identifiers: MedGen CN230736.

Submission:

Ambry Genetics
Classification: Uncertain significance for Cardiovascular phenotype. Last evaluated: 2026-07-13. Review status: criteria provided, single submitter. Criteria: Ambry Variant Classification Scheme 2023. Collection method: clinical testing. Allele origin: germline.
Comment: The p.Y380C variant (also known as c.1139A>G), located in coding exon 10 of the PTPN11 gene, results from an A to G substitution at nucleotide position 1139. The tyrosine at codon 380 is replaced by cysteine, an amino acid with highly dissimilar properties. This amino acid position is conserved. In addition, this alteration is predicted to be deleterious by in silico analysis. Based on the available evidence, the clinical significance of this variant remains unclear.

NM_002834.5(PTPN11):c.1139A>G (p.Tyr380Cys)

Gene: PTPN11 (protein tyrosine phosphatase non-receptor type 11; plus strand). Cytogenetic location: 12q24.13.
Variant type: single nucleotide variant.
Coding change: c.1139A>G on transcript NM_002834.5 (MANE Select); coding-DNA position 1139, A replaced by G.
Protein change: p.Tyr380Cys; replaces tyrosine 380 with cysteine.
Molecular consequence: missense variant.
Genome position (GRCh38, 1-based): chr12:112,482,120, A>G. VCF-style: chr12-112482120-A-G. GRCh37 (hg19) VCF-style: chr12-112919924-A-G.
Other names: c.1139A>G, p.Tyr380Cys (NM_001330437.2, NM_080601.3); c.1136A>G, p.Tyr379Cys (NM_001374625.1); short protein forms Y380C, Y379C.
Identifiers: ClinVar variation 5027619 (VCV005027619.1).
Genomic context (GRCh38, chr12:112,482,120, plus strand): 5'-CTGATCTCTTCCAGAGTAAATGTGTCAAATACTGGCCTGATGAGTATGCTCTAAAAGAAT[A>G]TGGCGTCATGCGTGTTAGGAACGTCAAAGAAAGCGCCGCTCATGACTATACGCTAAGAGA-3'
Protein context (NP_002825.3, residues 370-390): YWPDEYALKE[Tyr380Cys]GVMRVRNVKE